The following is an entry in ClinVar:

NM_002755.4(MAP2K1):c.238G>A (p.Gly80Ser)

Gene: MAP2K1 (mitogen-activated protein kinase kinase 1; plus strand). Cytogenetic location: 15q22.31.
Variant type: single nucleotide variant.
Coding change: c.238G>A on transcript NM_002755.4 (MANE Select); coding-DNA position 238, G replaced by A.
Protein change: p.Gly80Ser; replaces glycine 80 with serine.
Molecular consequence: missense variant.
Genome position (GRCh38, 1-based): chr15:66,435,184, G>A. VCF-style: chr15-66435184-G-A. GRCh37 (hg19) VCF-style: chr15-66727522-G-A.
Other names: short protein forms G80S.
Identifiers: ClinVar variation 1440001 (VCV001440001.6), dbSNP rs2140579691, ClinGen allele CA392929437.

ClinVar aggregate classification (germline): Uncertain significance (1 of 4 stars; one submission).

Conditions:
RASopathy. Also called: rasopathies; Noonan spectrum disorder. Identifiers: Orphanet 536391, MedGen C5555857, MONDO:0021060.

Submission:

Labcorp Genetics (formerly Invitae), Labcorp
Classification: Uncertain significance for RASopathy. Last evaluated: 2021-09-17. Review status: criteria provided, single submitter. Criteria: Invitae Variant Classification Sherloc (09022015). Collection method: clinical testing. Allele origin: germline.
Comment: This sequence change replaces glycine with serine at codon 80 of the MAP2K1 protein (p.Gly80Ser). The glycine residue is highly conserved and there is a small physicochemical difference between glycine and serine. This variant is not present in population databases (ExAC no frequency). This variant has not been reported in the literature in individuals affected with MAP2K1-related conditions. Advanced modeling of protein sequence and biophysical properties (such as structural, functional, and spatial information, amino acid conservation, physicochemical variation, residue mobility, and thermodynamic stability) performed at Invitae indicates that this missense variant is expected to disrupt MAP2K1 protein function. In summary, the available evidence is currently insufficient to determine the role of this variant in disease. Therefore, it has been classified as a Variant of Uncertain Significance.